The following is an entry in ClinVar:

ClinVar aggregate classification (germline): Likely benign (1 of 4 stars; one submission).

Submission:

CeGaT Center for Human Genetics Tuebingen
Classification: Likely benign. Last evaluated: 2023-02-01. Review status: criteria provided, single submitter. Criteria: CeGaT Center For Human Genetics Tuebingen Variant Classification Criteria Version 2. Collection method: clinical testing. Allele origin: germline. Affected: yes. Observed: 7 variant alleles.
Comment: NIPBL: BS1

NM_133433.4(NIPBL):c.-416dup

Gene: NIPBL (NIPBL cohesin loading factor; plus strand). Cytogenetic location: 5p13.2.
Variant type: Duplication.
Coding change: c.-416dup on transcript NM_133433.4 (MANE Select); 416 bases upstream of the start codon, one base duplicated (C; older notation c.-416dupC).
Molecular consequence: 5 prime UTR variant.
Genome position (GRCh38, 1-based): chr5:36,876,842, C duplicated; the last of 8 consecutive C bases (chr5:36,876,835-36,876,842); duplicating any one gives the same sequence. VCF-style (leftmost placement, unchanged base first): chr5-36876834-T-TC. GRCh37 (hg19) VCF-style: chr5-36876936-T-TC.
Other names: c.-416dup (NM_015384.5).
Identifiers: ClinVar variation 353362 (VCV000353362.29), dbSNP rs886060553, ClinGen allele CA10624414.